The following is an entry in ClinVar:

NM_001148.6(ANK2):c.7347C>G (p.His2449Gln)

Genes: ANK2 (ankyrin 2; plus strand), LOC126807137 (CDK7 strongly-dependent group 2 enhancer GRCh37_chr4:114276560-114277759; plus strand). Cytogenetic location: 4q26.
Variant type: single nucleotide variant.
Coding change: c.7347C>G on transcript NM_001148.6 (MANE Select); coding-DNA position 7347, C replaced by G.
Protein change: p.His2449Gln; replaces histidine 2449 with glutamine.
Molecular consequence: missense variant. On other transcripts: intron variant (68).
Genome position (GRCh38, 1-based): chr4:113,355,965, C>G. VCF-style: chr4-113355965-C-G. GRCh37 (hg19) VCF-style: chr4-114277121-C-G.
Other names: c.7113C>G, p.His2371Gln (NM_001386142.1); c.3747C>G, p.His1249Gln (NM_001386166.1); c.7488C>G, p.His2496Gln (NM_001386174.1); c.7464C>G, p.His2488Gln (NM_001386175.1); c.4412-4858C>G (NM_001386186.2, NM_001386148.2); c.4214-4858C>G (NM_001354269.3); c.4292-4858C>G (NM_001386187.2); c.4253-4858C>G (NM_001386147.1); and 35 more; short protein forms H2371Q, H2488Q, H2496Q, H1249Q, H2449Q.
Identifiers: ClinVar variation 1758430 (VCV001758430.9), dbSNP rs2095739381, ClinGen allele CA357930142.

ClinVar aggregate classification (germline): Uncertain significance. Review status: criteria provided, multiple submitters, no conflicts (2 of 4 stars). 4 submissions from 4 submitters: Uncertain significance (3). 1 of the submissions does not count toward it. Last evaluated 2025-08-24.

Conditions:
Meniere disease. Also called: Ménière's disease. Identifiers: MedGen C0025281, MONDO:0007972, OMIM 156000.
Cardiovascular phenotype. Identifiers: MedGen CN230736.
Long QT syndrome (LQTS). Identifiers: MedGen C0023976, MeSH D008133, MONDO:0002442. Disease mechanism: loss of function. Inheritance: Various modes of inheritance.

Allele frequency attached by ClinVar (database versions not stated): TOPMed below 0.00001; gnomAD exomes 0.00001.
gnomAD v4.1: 3 of 1,614,100 alleles (0.00019%); highest among the groups gnomAD compares: Non-Finnish European, 0.00017%; no homozygotes.

Submissions (4):

Labcorp Genetics (formerly Invitae), Labcorp
Classification: Uncertain significance for Long QT syndrome. Last evaluated: 2025-08-24. Review status: criteria provided, single submitter. Criteria: Invitae Variant Classification Sherloc (09022015). Collection method: clinical testing. Allele origin: germline.
Comment: This sequence change replaces histidine, which is basic and polar, with glutamine, which is neutral and polar, at codon 2449 of the ANK2 protein (p.His2449Gln). This variant is not present in population databases (gnomAD no frequency). This variant has not been reported in the literature in individuals affected with ANK2-related conditions. ClinVar contains an entry for this variant (Variation ID: 1758430). Invitae Evidence Modeling of protein sequence and biophysical properties (such as structural, functional, and spatial information, amino acid conservation, physicochemical variation, residue mobility, and thermodynamic stability) indicates that this missense variant is not expected to disrupt ANK2 protein function with a negative predictive value of 80%. In summary, the available evidence is currently insufficient to determine the role of this variant in disease. Therefore, it has been classified as a Variant of Uncertain Significance.

GeneDx
Classification: Uncertain significance. Last evaluated: 2024-06-14. Review status: criteria provided, single submitter. Criteria: GeneDx Variant Classification Process June 2021. Collection method: clinical testing. Allele origin: germline. Affected: yes.
Comment: Not observed at significant frequency in large population cohorts (gnomAD); In silico analysis supports that this missense variant has a deleterious effect on protein structure/function; Has not been previously published as pathogenic or benign to our knowledge; Located in exon 38, which is reported as being expressed in a brain-specific transcript (PMID: 1830053, 18790697, 26109584); This variant is associated with the following publications: (PMID: 1830053, 18790697, 26109584)

Ambry Genetics
Classification: Uncertain significance for Cardiovascular phenotype. Last evaluated: 2023-12-20. Review status: criteria provided, single submitter. Criteria: Ambry Variant Classification Scheme 2023. Collection method: clinical testing. Allele origin: germline.

Center for Computational Biology & Bioinformatics, University of California, San Diego
Classification: Uncertain significance for Meniere disease. Last evaluated: 2024-06-03. Review status: no assertion criteria provided. Collection method: research. Allele origin: germline. Affected: yes. Not counted in ClinVar's aggregate classification.